The following is an entry in ClinVar:

ClinVar aggregate classification (germline): Uncertain significance (1 of 4 stars; one submission).

gnomAD v4.1: 29 of 1,614,236 alleles (0.0018%); highest among the groups gnomAD compares: Non-Finnish European, 0.0024%; no homozygotes.

Submission:

Ambry Genetics
Classification: Uncertain significance. Last evaluated: 2026-07-04. Review status: criteria provided, single submitter. Criteria: Ambry Variant Classification Scheme 2023. Collection method: clinical testing. Allele origin: germline.
Comment: The p.A379T variant (also known as c.1135G>A), located in coding exon 11 of the ILK gene, results from a G to A substitution at nucleotide position 1135. The alanine at codon 379 is replaced by threonine, an amino acid with similar properties. This amino acid position is conserved. In addition, this alteration is predicted to be deleterious by in silico analysis. Based on the available evidence, the clinical significance of this variant remains unclear.

NM_004517.4(ILK):c.1135G>A (p.Ala379Thr)

Genes: ILK (integrin linked kinase; plus strand), TAF10 (TATA-box binding protein associated factor 10; minus strand). Cytogenetic location: 11p15.4.
Variant type: single nucleotide variant.
Coding change: c.1135G>A on transcript NM_004517.4 (MANE Select); coding-DNA position 1135, G replaced by A.
Protein change: p.Ala379Thr; replaces alanine 379 with threonine.
Molecular consequence: missense variant. On other transcripts: 3 prime UTR variant (1).
Genome position (GRCh38, 1-based): chr11:6,610,204, G>A. VCF-style: chr11-6610204-G-A. GRCh37 (hg19) VCF-style: chr11-6631435-G-A.
Other names: c.1135G>A, p.Ala379Thr (NM_001014794.3, NM_001014795.3); c.952G>A, p.Ala318Thr (NM_001278441.2); c.733G>A, p.Ala245Thr (NM_001278442.2); c.*718C>T (NM_006284.4); short protein forms A318T, A245T, A379T.
Identifiers: ClinVar variation 5022792 (VCV005022792.1).
Genomic context (GRCh38, chr11:6,610,204, plus strand): 5'-CCAGCTCTGCAGAAGAAGCCTGAAGACACAAACAGACGCTCAGCAGACATGTGGAGTTTT[G>A]CAGTGCTTCTGTGGGAACTGGTGACACGGGAGGTACCCTTTGCTGACCTCTCCAATATGG-3'
Protein context (NP_004508.1, residues 369-389): NRRSADMWSF[Ala379Thr]VLLWELVTRE